The following is an entry in ClinVar:

ClinVar aggregate classification (germline): Uncertain significance. Review status: criteria provided, multiple submitters, no conflicts (2 of 4 stars). 2 submissions from 2 submitters: Uncertain significance (2). Last evaluated 2024-06-03.

Conditions:
Cardiovascular phenotype. Identifiers: MedGen CN230736.

Submissions (2):

Ambry Genetics
Classification: Uncertain significance for Cardiovascular phenotype. Last evaluated: 2024-06-03. Review status: criteria provided, single submitter. Criteria: Ambry Variant Classification Scheme 2023. Collection method: clinical testing. Allele origin: germline.
Comment: The c.795dupT variant, located in coding exon 8 of the ANKRD1 gene, results from a duplication of T at nucleotide position 795, causing a translational frameshift with a predicted alternate stop codon (p.K266*). This alteration is expected to result in protein truncation or nonsense-mediated mRNA decay. However, loss of function of ANKRD1 has not been established as a mechanism of disease. The evidence for this gene-disease relationship is limited; therefore, the clinical significance of this alteration is unclear.

GeneDx
Classification: Uncertain significance. Last evaluated: 2017-04-21. Review status: criteria provided, single submitter. Criteria: GeneDx Variant Classification (06012015). Collection method: clinical testing. Allele origin: germline. Affected: yes.
Comment: The c.795dupT variant in the ANKRD1 gene has not been reported as a disease-causing mutation or as a benign polymorphism to our knowledge. It results in replacement of the Lysine codon 266 with a premature STOP codon, and is expected to result in an abnormal, truncated protein or in absence of protein from this allele due to mRNA decay. To date, the only pathogenic mutations in the ANKRD1 gene reported in association with cardiomyopathy have been missense mutations, which were found to alter the function and/or localization of CARP in cardiomyocytes, and were hypothesized to interfere with the function of protein partners in the the titin-N2A mechanosensory complex in a dominant negative manner (Moulik M et al., 2009; Arimura T et al., 2009; Duboscq-Bidot L et al., 2009). It is unknown if the c.795dupT variant may also diminish interactions with the titin-N2A mechanosensory complex, as has been demonstrated for reported missense mutations. Therefore, with the clinical and molecular information available at this time, we cannot unequivocally determine the clinical significance of the c.795dupT variant in the ANKRD1 gene.

NM_014391.3(ANKRD1):c.795dup (p.Lys266Ter)

Gene: ANKRD1 (ankyrin repeat domain 1; minus strand). Cytogenetic location: 10q23.31.
Variant type: Duplication.
Coding change: c.795dup on transcript NM_014391.3 (MANE Select); coding-DNA position 795, one base duplicated (T; older notation c.795dupT).
Protein change: p.Lys266Ter; replaces lysine 266 with a stop codon.
Molecular consequence: nonsense.
Genome position (GRCh38, 1-based): chr10:90,915,597, A duplicated on the plus strand (T on the coding strand, the reverse complement: ANKRD1 is on the minus strand). VCF-style (leftmost placement, unchanged base first): chr10-90915596-T-TA. GRCh37 (hg19) VCF-style: chr10-92675353-T-TA.
Other names: c.795dupT (NM_014391.2); short protein forms K266*.
Identifiers: ClinVar variation 201672 (VCV000201672.3), dbSNP rs794728977, ClinGen allele CA335088.